The following is an entry in ClinVar:

ClinVar aggregate classification (germline): Uncertain significance. Review status: criteria provided, multiple submitters, no conflicts (2 of 4 stars). 2 submissions from 2 submitters: Uncertain significance (2). Last evaluated 2025-03-01.

Allele frequency attached by ClinVar (database versions not stated): gnomAD exomes 0.00021; gnomAD 0.00026; TOPMed 0.00026; ExAC 0.00039.
gnomAD v4.1: 338 of 1,591,746 alleles (0.021%); highest among the groups gnomAD compares: Non-Finnish European, 0.026%; no homozygotes.

Submissions (2):

CeGaT Center for Human Genetics Tuebingen
Classification: Uncertain significance. Last evaluated: 2025-03-01. Review status: criteria provided, single submitter. Criteria: CeGaT Center For Human Genetics Tuebingen Variant Classification Criteria Version 2. Collection method: clinical testing. Allele origin: germline. Affected: yes. Observed: 1 variant allele.
Comment: FSIP2: PM2, BP4

Ambry Genetics
Classification: Uncertain significance. Last evaluated: 2021-07-15. Review status: criteria provided, single submitter. Criteria: Ambry Variant Classification Scheme 2023. Collection method: clinical testing. Allele origin: germline.

NM_173651.4(FSIP2):c.15712C>A (p.Pro5238Thr)

Gene: FSIP2 (fibrous sheath interacting protein 2; plus strand). Cytogenetic location: 2q32.1.
Variant type: single nucleotide variant.
Coding change: c.15712C>A on transcript NM_173651.4 (MANE Select); coding-DNA position 15712, C replaced by A.
Protein change: p.Pro5238Thr; replaces proline 5238 with threonine.
Molecular consequence: missense variant.
Genome position (GRCh38, 1-based): chr2:185,805,018, C>A. VCF-style: chr2-185805018-C-A. GRCh37 (hg19) VCF-style: chr2-186669745-C-A.
Other names: short protein forms P5238T.
Identifiers: ClinVar variation 2348991 (VCV002348991.9), dbSNP rs776835428, ClinGen allele CA2017136.
Genomic context (GRCh38, chr2:185,805,018, plus strand): 5'-TCATTCCTCAGTAAATTAGCTGGTTTTATTATGAAAGAAATCATGTATCATCATTTACAG[C>A]CATTTTTACATGGTGAAGAATCATCTTTCAGTGACTTATCTGATTATGACCATGTCTCTG-3'
Protein context (NP_775922.3, residues 5228-5248): MKEIMYHHLQ[Pro5238Thr]FLHGEESSFS